The following is an entry in ClinVar:

NM_004706.4(ARHGEF1):c.123G>C (p.Glu41Asp)

Gene: ARHGEF1 (Rho guanine nucleotide exchange factor 1; plus strand). Cytogenetic location: 19q13.2.
Variant type: single nucleotide variant.
Coding change: c.123G>C on transcript NM_004706.4 (MANE Select); coding-DNA position 123, G replaced by C.
Protein change: p.Glu41Asp; replaces glutamic acid 41 with aspartic acid.
Molecular consequence: missense variant. On other transcripts: non-coding transcript variant (2).
Genome position (GRCh38, 1-based): chr19:41,888,763, G>C. VCF-style: chr19-41888763-G-C. GRCh37 (hg19) VCF-style: chr19-42392834-G-C.
Other names: c.123G>C, p.Glu41Asp (NM_001396000.1, NM_001396002.1, NM_001396003.1 and 3 more transcripts); c.168G>C, p.Glu56Asp (NM_199002.2); short protein forms E56D, E41D.
Identifiers: ClinVar variation 2794766 (VCV002794766.3), dbSNP rs1393329979, ClinGen allele CA406043780.

ClinVar aggregate classification (germline): Uncertain significance (1 of 4 stars; one submission).

Allele frequency attached by ClinVar (database versions not stated): gnomAD exomes below 0.00001; TOPMed below 0.00001; gnomAD 0.00001.
gnomAD v4.1: 2 of 1,614,080 alleles (0.00012%); highest among the groups gnomAD compares: Non-Finnish European, 0.00017%; no homozygotes.

Submission:

Labcorp Genetics (formerly Invitae), Labcorp
Classification: Uncertain significance. Last evaluated: 2022-12-04. Review status: criteria provided, single submitter. Criteria: Invitae Variant Classification Sherloc (09022015). Collection method: clinical testing. Allele origin: germline.
Comment: In summary, the available evidence is currently insufficient to determine the role of this variant in disease. Therefore, it has been classified as a Variant of Uncertain Significance. Algorithms developed to predict the effect of missense changes on protein structure and function output the following: SIFT: "Tolerated"; PolyPhen-2: "Benign"; Align-GVGD: "Class C0". The aspartic acid amino acid residue is found in multiple mammalian species, which suggests that this missense change does not adversely affect protein function. This variant has not been reported in the literature in individuals affected with ARHGEF1-related conditions. This variant is not present in population databases (gnomAD no frequency). This sequence change replaces glutamic acid, which is acidic and polar, with aspartic acid, which is acidic and polar, at codon 56 of the ARHGEF1 protein (p.Glu56Asp).